The following is an entry in ClinVar:

ClinVar aggregate classification (germline): Uncertain significance. Review status: criteria provided, multiple submitters, no conflicts (2 of 4 stars). 3 submissions from 3 submitters: Uncertain significance (3). Last evaluated 2025-10-27.

Conditions:
Hereditary cancer-predisposing syndrome. Also called: Hereditary neoplastic syndrome; Neoplastic Syndromes, Hereditary; Tumor predisposition; Hereditary Cancer Syndrome. Identifiers: Orphanet 140162, MedGen C0027672, MeSH D009386, MONDO:0015356.
Ataxia-telangiectasia syndrome (AT). Also called: Ataxia telangiectasia (A-T); LOUIS-BAR SYNDROME; Cerebello-oculocutaneous telangiectasia; Immunodeficiency with ataxia telangiectasia; Ataxia-telangiectasia, complementation group D; AT, COMPLEMENTATION GROUP C. Identifiers: Orphanet 100, MedGen C0004135, MONDO:0008840, OMIM 208900.

Submissions (3):

Ambry Genetics
Classification: Uncertain significance for Hereditary cancer-predisposing syndrome. Last evaluated: 2025-10-27. Review status: criteria provided, single submitter. Criteria: Ambry Variant Classification Scheme 2023. Collection method: clinical testing. Allele origin: germline.
Comment: The p.V1913G variant (also known as c.5738T>G), located in coding exon 37 of the ATM gene, results from a T to G substitution at nucleotide position 5738. The valine at codon 1913 is replaced by glycine, an amino acid with dissimilar properties. This alteration was identified in an individual with a clinical diagnosis of ataxia telangiectasia (Sandoval N et al. Hum Mol Genet, 1999 Jan;8:69-79). This amino acid position is well conserved in available vertebrate species. In addition, this alteration is predicted to be deleterious by in silico analysis. Since supporting evidence is limited at this time, the clinical significance of this alteration remains unclear.

GeneDx
Classification: Uncertain significance. Last evaluated: 2023-03-20. Review status: criteria provided, single submitter. Criteria: GeneDx Variant Classification Process June 2021. Collection method: clinical testing. Allele origin: germline. Affected: yes.
Comment: Not observed at significant frequency in large population cohorts (gnomAD); In silico analysis supports that this missense variant has a deleterious effect on protein structure/function; Identified in the heterozygous state in an individual with ataxia telangiectasia (Sandoval et al., 1999); This variant is associated with the following publications: (PMID: 22529920, 35403742, 27304073, 9887333)

Labcorp Genetics (formerly Invitae), Labcorp
Classification: Uncertain significance for Ataxia-telangiectasia syndrome. Last evaluated: 2021-08-27. Review status: criteria provided, single submitter. Criteria: Invitae Variant Classification Sherloc (09022015). Collection method: clinical testing. Allele origin: germline.
Comment: This sequence change replaces valine with glycine at codon 1913 of the ATM protein (p.Val1913Gly). The valine residue is moderately conserved and there is a moderate physicochemical difference between valine and glycine. This variant is not present in population databases (ExAC no frequency). This missense change has been observed in individual(s) with ataxia telangiectasia (A-T) (PMID: 9887333). Algorithms developed to predict the effect of missense changes on protein structure and function (SIFT, PolyPhen-2, Align-GVGD) all suggest that this variant is likely to be disruptive. In summary, the available evidence is currently insufficient to determine the role of this variant in disease. Therefore, it has been classified as a Variant of Uncertain Significance.

Literature cited by the submitters: PubMed 9887333 (cited by Ambry Genetics and Labcorp Genetics (formerly Invitae), Labcorp).

NM_000051.4(ATM):c.5738T>G (p.Val1913Gly)

Gene: ATM (ATM serine/threonine kinase; plus strand). Cytogenetic location: 11q22.3.
Variant type: single nucleotide variant.
Coding change: c.5738T>G on transcript NM_000051.4 (MANE Select); coding-DNA position 5738, T replaced by G.
Protein change: p.Val1913Gly; replaces valine 1913 with glycine.
Molecular consequence: missense variant.
Genome position (GRCh38, 1-based): chr11:108,307,960, T>G. VCF-style: chr11-108307960-T-G. GRCh37 (hg19) VCF-style: chr11-108178687-T-G.
Other names: c.5738T>G, p.Val1913Gly (NM_001351834.2); short protein forms V1913G.
Identifiers: ClinVar variation 407701 (VCV000407701.9), dbSNP rs1060501688, ClinGen allele CA16613078.